The following is an entry in ClinVar:

NM_173728.4(ARHGEF15):c.340C>T (p.Pro114Ser)

Gene: ARHGEF15 (Rho guanine nucleotide exchange factor 15; plus strand). Cytogenetic location: 17p13.1.
Variant type: single nucleotide variant.
Coding change: c.340C>T on transcript NM_173728.4 (MANE Select); coding-DNA position 340, C replaced by T.
Protein change: p.Pro114Ser; replaces proline 114 with serine.
Molecular consequence: missense variant.
Genome position (GRCh38, 1-based): chr17:8,312,379, C>T. VCF-style: chr17-8312379-C-T. GRCh37 (hg19) VCF-style: chr17-8215697-C-T.
Other names: c.340C>T, p.Pro114Ser (NM_025014.2); short protein forms P114S.
Identifiers: ClinVar variation 569183 (VCV000569183.9), dbSNP rs777250745, ClinGen allele CA8374834.

ClinVar aggregate classification (germline): Uncertain significance (1 of 4 stars; one submission).

Conditions:
Early-infantile DEE. Also called: Ohtahara syndrome; Early infantile epileptic encephalopathy; Early infantile epileptic encephalopathy with suppression bursts. Identifiers: Orphanet 1934, MedGen C0393706, MONDO:0800491.

Allele frequency attached by ClinVar (database versions not stated): TOPMed below 0.00001; gnomAD 0.00005 and 0.00006.

Submission:

Labcorp Genetics (formerly Invitae), Labcorp
Classification: Uncertain significance for Early-infantile DEE. Last evaluated: 2018-06-24. Review status: criteria provided, single submitter. Criteria: Invitae Variant Classification Sherloc (09022015). Collection method: clinical testing. Allele origin: germline.
Comment: In summary, the available evidence is currently insufficient to determine the role of this variant in disease. Therefore, it has been classified as a Variant of Uncertain Significance. Algorithms developed to predict the effect of missense changes on protein structure and function output the following: SIFT: "Deleterious"; PolyPhen-2: "Benign"; Align-GVGD: "Class C0". The serine amino acid residue is found in multiple mammalian species, suggesting that this missense change does not adversely affect protein function. These predictions have not been confirmed by published functional studies and their clinical significance is uncertain. This variant has not been reported in the literature in individuals with ARHGEF15-related disease. This variant is present in population databases (rs777250745, ExAC 0.01%). This sequence change replaces proline with serine at codon 114 of the ARHGEF15 protein (p.Pro114Ser). The proline residue is moderately conserved and there is a moderate physicochemical difference between proline and serine.